The following is an entry in ClinVar:

ClinVar aggregate classification (germline): Benign. Review status: criteria provided, multiple submitters, no conflicts (2 of 4 stars). 10 submissions from 10 submitters: Benign (9). 1 of the submissions does not count toward it. Last evaluated 2026-02-04.

Conditions:
Hyperlipoproteinemia, type I. Also called: Hyperlipoproteinemia type 1; Hyperchylomicro-nemia familial; Familial chylomicronemia; Hyperlipemia idiopathic Burger-Grutz type; Lipase D deficiency; Familial Lipoprotein Lipase Deficiency. Identifiers: Orphanet 309015, Orphanet 444490, MedGen C0023817, MONDO:0009387, OMIM 238600. Disease mechanism: loss of function.
Dystrophin deficiency.
Cardiovascular phenotype. Identifiers: MedGen CN230736.

Allele frequency attached by ClinVar (database versions not stated): gnomAD exomes 0.03182 and 0.03322; ExAC 0.03456; 1000 Genomes Project 0.04912; 1000 Genomes Project 30x 0.04919; gnomAD 0.04960; TOPMed 0.05769; ESP Exome Variant Server 0.06566.
gnomAD v4.1: 55,135 of 1,614,046 alleles (3.4%); highest among the groups gnomAD compares: African/African-American, 11%; 1,345 homozygotes.

Submissions (10):

Labcorp Genetics (formerly Invitae), Labcorp
Classification: Benign. Last evaluated: 2026-02-04. Review status: criteria provided, single submitter. Criteria: Invitae Variant Classification Sherloc (09022015). Collection method: clinical testing. Allele origin: germline.

Molecular Diagnostic Laboratory for Inherited Cardiovascular Disease, Montreal Heart Institute
Classification: Benign. Last evaluated: 2025-04-09. Review status: criteria provided, single submitter. Criteria: ACMG Guidelines, 2015. Collection method: clinical testing. Allele origin: germline. Affected: no.

Blueprint Genetics
Classification: Benign. Last evaluated: 2024-11-27. Review status: criteria provided, single submitter. Criteria: ACMG Guidelines, 2015. Collection method: clinical testing. Allele origin: germline.

Mayo Clinic Laboratories, Mayo Clinic
Classification: Benign. Last evaluated: 2024-03-27. Review status: criteria provided, single submitter. Criteria: ACMG Guidelines, 2015. Collection method: clinical testing. Allele origin: germline. Observed: 40 variant alleles.
Comment: BA1, BS1, BS2, BP4, BP7

Ambry Genetics
Classification: Benign for Cardiovascular phenotype. Last evaluated: 2019-02-03. Review status: criteria provided, single submitter. Criteria: Ambry Variant Classification Scheme 2023. Collection method: clinical testing. Allele origin: germline.

GeneDx
Classification: Benign. Last evaluated: 2018-11-19. Review status: criteria provided, single submitter. Criteria: GeneDx Variant Classification Process June 2021. Collection method: clinical testing. Allele origin: germline. Affected: yes.

Illumina Laboratory Services, Illumina
Classification: Benign for Hyperlipoproteinemia, type I. Last evaluated: 2018-01-13. Review status: criteria provided, single submitter. Criteria: ICSL Variant Classification Criteria 13 December 2019. Collection method: clinical testing. Allele origin: germline.
Comment: This variant was observed in the ICSL laboratory as part of a predisposition screen in an ostensibly healthy population. It had not been previously curated by ICSL or reported in the Human Gene Mutation Database (HGMD: prior to June 1st, 2018), and was therefore a candidate for classification through an automated scoring system. Utilizing variant allele frequency, disease prevalence and penetrance estimates, and inheritance mode, an automated score was calculated to assess if this variant is too frequent to cause the disease. Based on the score and internal cut-off values, a variant classified as benign is not then subjected to further curation. The score for this variant resulted in a classification of benign for this disease.

Women's Health and Genetics/Laboratory Corporation of America, LabCorp
Classification: Benign. Last evaluated: 2017-06-07. Review status: criteria provided, single submitter. Criteria: LabCorp Variant Classification Summary - May 2015. Collection method: clinical testing. Allele origin: germline.
Comment: Variant summary: The LPL c.405G>A (p.Val135Val) variant involves the alteration of a non-conserved nucleotide, resulting in a synonymous change. One in silico tool predicts a polymorphism outcome for this variant. 5/5 splice prediction tools predict no significant impact on normal splicing. ESE finder predicts that this variant may affect ESE site of SF2/ASF. This variant was found in 4195/121380 control chromosomes (117 homozygotes) from ExAC, predominantly observed in the African subpopulation at a frequency of 0.116997 (1217/10402). This frequency is about 35 times the estimated maximal expected allele frequency of a pathogenic LPL variant (0.0033541), thus this is a benign polymorphism found primarily in the populations of African origin. This variant was also not associated with Type 2 diabetes or lowered HDL-C levels in a case-control study from India (Ayyappa_2017). One clinical laboratory (via ClinVar) has classified this variant as likely benign. Taken together, this variant is classified as benign.

Breakthrough Genomics
Classification: Benign. Review status: criteria provided, single submitter. Criteria: ACMG Guidelines, 2015. Collection method: not provided. Allele origin: germline. Inheritance: Autosomal recessive inheritance. Affected: yes.

Natera, Inc.
Classification: Benign for Dystrophin deficiency. Last evaluated: 2020-09-16. Review status: no assertion criteria provided. Collection method: clinical testing. Allele origin: germline. Not counted in ClinVar's aggregate classification.

NM_000237.3(LPL):c.405G>A (p.Val135=)

Gene: LPL (lipoprotein lipase; plus strand). Cytogenetic location: 8p21.3.
Variant type: single nucleotide variant.
Coding change: c.405G>A on transcript NM_000237.3 (MANE Select); coding-DNA position 405, G replaced by A.
Protein change: p.Val135=; no amino-acid change (valine 135 retained).
Molecular consequence: synonymous variant.
Genome position (GRCh38, 1-based): chr8:19,951,924, G>A. VCF-style: chr8-19951924-G-A. GRCh37 (hg19) VCF-style: chr8-19809435-G-A.
Other names: p.Val135=.
Identifiers: ClinVar variation 362407 (VCV000362407.20), dbSNP rs1121923, ClinGen allele CA4655402.
Genomic context (GRCh38, chr8:19,951,924, plus strand): 5'-ACGGGCTCAGGAGCATTACCCAGTGTCCGCGGGCTACACCAAACTGGTGGGACAGGATGT[G>A]GCCCGGTTTATCAACTGGATGGAGGTAAGACTGGGAGAAGGAGACTTATGTGTCCAAAAC-3'
Protein context (NP_000228.1, residues 125-145): AGYTKLVGQD[Val135=]ARFINWMEEE